The following is an entry in ClinVar:

NM_198503.5(KCNT2):c.1438A>G (p.Met480Val)

Gene: KCNT2 (potassium sodium-activated channel subfamily T member 2; minus strand). Cytogenetic location: 1q31.3.
Variant type: single nucleotide variant.
Coding change: c.1438A>G on transcript NM_198503.5 (MANE Select); coding-DNA position 1438, A replaced by G.
Protein change: p.Met480Val; replaces methionine 480 with valine.
Molecular consequence: missense variant. On other transcripts: non-coding transcript variant (2), intron variant (1).
Genome position (GRCh38, 1-based): chr1:196,342,194, T>C on the plus strand (A>G on the coding strand, the complement: KCNT2 is on the minus strand). VCF-style: chr1-196342194-T-C. GRCh37 (hg19) VCF-style: chr1-196311324-T-C.
Other names: c.1438A>G, p.Met480Val (NM_001287819.3); c.1404-1624A>G (NM_001287820.3); short protein forms M480V.
Identifiers: ClinVar variation 3768758 (VCV003768758.1).
Genomic context (GRCh38, chr1:196,342,194, plus strand): 5'-AAAATGTACTTTCTTCCAAAACAATGTGGTAGACTTCATTCCCGGAGCATCTACCGTACA[T>C]CTTCTGCCATTGTTCTGGCGATTGCTGGCCTTCTCTGCAACACAGGCACACACACATACA-3'
Protein context (NP_940905.2, residues 470-490): GQQSPEQWQK[Met480Val]YGRCSGNEVY

ClinVar aggregate classification (germline): Uncertain significance (1 of 4 stars; one submission).

Submission:

Women's Health and Genetics/Laboratory Corporation of America, LabCorp
Classification: Uncertain significance. Last evaluated: 2025-02-25. Review status: criteria provided, single submitter. Criteria: LabCorp Variant Classification Summary - May 2015. Collection method: clinical testing. Allele origin: germline.
Comment: Variant summary: KCNT2 c.1438A>G (p.Met480Val) results in a conservative amino acid change located in the Calcium-activated BK potassium channel alpha subunit domain (IPR003929) of the encoded protein sequence. Four of five in-silico tools predict a benign effect of the variant on protein function. The variant was absent in 248554 control chromosomes. The available data on variant occurrences in the general population are insufficient to allow any conclusion about variant significance. To our knowledge, no occurrence of c.1438A>G in individuals affected with Developmental And Epileptic Encephalopathy, 57 and no experimental evidence demonstrating its impact on protein function have been reported. No submitters have cited clinical-significance assessments for this variant to ClinVar. Based on the evidence outlined above, the variant was classified as uncertain significance.